The following is an entry in ClinVar:

ClinVar aggregate classification (germline): Uncertain significance (1 of 4 stars; one submission).

Submission:

Labcorp Genetics (formerly Invitae), Labcorp
Classification: Uncertain significance. Last evaluated: 2022-02-15. Review status: criteria provided, single submitter. Criteria: Invitae Variant Classification Sherloc (09022015). Collection method: clinical testing. Allele origin: germline.
Comment: In summary, the available evidence is currently insufficient to determine the role of this variant in disease. Therefore, it has been classified as a Variant of Uncertain Significance. Algorithms developed to predict the effect of missense changes on protein structure and function are either unavailable or do not agree on the potential impact of this missense change (SIFT: "Deleterious"; PolyPhen-2: "Possibly Damaging"; Align-GVGD: "Class C0"). This variant has not been reported in the literature in individuals affected with NANS-related conditions. This variant is not present in population databases (gnomAD no frequency). This sequence change replaces cysteine, which is neutral and slightly polar, with tyrosine, which is neutral and polar, at codon 46 of the NANS protein (p.Cys46Tyr).

NM_018946.4(NANS):c.137G>A (p.Cys46Tyr)

Genes: NANS (N-acetylneuraminate synthase; plus strand), TRIM14 (tripartite motif containing 14; minus strand). Cytogenetic location: 9q22.33.
Variant type: single nucleotide variant.
Coding change: c.137G>A on transcript NM_018946.4 (MANE Select); coding-DNA position 137, G replaced by A.
Protein change: p.Cys46Tyr; replaces cysteine 46 with tyrosine.
Molecular consequence: missense variant.
Genome position (GRCh38, 1-based): chr9:98,060,786, G>A. VCF-style: chr9-98060786-G-A. GRCh37 (hg19) VCF-style: chr9-100823068-G-A.
Other names: short protein forms C46Y.
Identifiers: ClinVar variation 2086476 (VCV002086476.4), dbSNP rs531851509, ClinGen allele CA196762407.
Genomic context (GRCh38, chr9:98,060,786, plus strand): 5'-TCCTTTTTTTGAGAATCTACGACAGTCACTGAAAGATGTCCTAATGTGTGTTGTAGGAGT[G>A]TGGGGCTGATTGTGCTAAGTTCCAGAAGAGTGAGCTAGAATTCAAGTTTAATCGGAAAGC-3'
Protein context (NP_061819.2, residues 36-56): AKRMIRMAKE[Cys46Tyr]GADCAKFQKS